The following is an entry in ClinVar:

ClinVar aggregate classification (germline): Uncertain significance (1 of 4 stars; one submission).

Conditions:
Deficiency of butyryl-CoA dehydrogenase (ACADSD). Also called: SCADH DEFICIENCY; SCAD DEFICIENCY, MILD; ACYL-CoA DEHYDROGENASE, SHORT-CHAIN, DEFICIENCY OF; SCAD Deficiency; ACADS DEFICIENCY; Short-Chain Acyl-CoA Dehydrogenase Deficiency. Identifiers: Orphanet 26792, MedGen C0342783, MONDO:0008722, OMIM 201470. Disease mechanism: May be benign.

gnomAD v4.1: 3 of 1,609,342 alleles (0.00019%); highest among the groups gnomAD compares: Admixed American, 0.0017%; no homozygotes.

Submission:

Labcorp Genetics (formerly Invitae), Labcorp
Classification: Uncertain significance for Deficiency of butyryl-CoA dehydrogenase. Last evaluated: 2023-04-11. Review status: criteria provided, single submitter. Criteria: Invitae Variant Classification Sherloc (09022015). Collection method: clinical testing. Allele origin: germline.
Comment: This sequence change replaces glycine, which is neutral and non-polar, with tryptophan, which is neutral and slightly polar, at codon 76 of the ACADS protein (p.Gly76Trp). This variant is not present in population databases (gnomAD no frequency). This variant has not been reported in the literature in individuals affected with ACADS-related conditions. Advanced modeling of protein sequence and biophysical properties (such as structural, functional, and spatial information, amino acid conservation, physicochemical variation, residue mobility, and thermodynamic stability) has been performed at Invitae for this missense variant, however the output from this modeling did not meet the statistical confidence thresholds required to predict the impact of this variant on ACADS protein function. In summary, the available evidence is currently insufficient to determine the role of this variant in disease. Therefore, it has been classified as a Variant of Uncertain Significance.

NM_000017.4(ACADS):c.226G>T (p.Gly76Trp)

Gene: ACADS (acyl-CoA dehydrogenase short chain; plus strand). Cytogenetic location: 12q24.31.
Variant type: single nucleotide variant.
Coding change: c.226G>T on transcript NM_000017.4 (MANE Select); coding-DNA position 226, G replaced by T.
Protein change: p.Gly76Trp; replaces glycine 76 with tryptophan.
Molecular consequence: missense variant.
Genome position (GRCh38, 1-based): chr12:120,737,001, G>T. VCF-style: chr12-120737001-G-T. GRCh37 (hg19) VCF-style: chr12-121174804-G-T.
Other names: c.226G>T, p.Gly76Trp (NM_001302554.2); short protein forms G76W.
Identifiers: ClinVar variation 2789764 (VCV002789764.3), dbSNP rs774801839, ClinGen allele CA386613956.